The following is an entry in ClinVar:

NM_002354.3(EPCAM):c.709G>A (p.Gly237Arg)

Gene: EPCAM (epithelial cell adhesion molecule; plus strand). Cytogenetic location: 2p21.
Variant type: single nucleotide variant.
Coding change: c.709G>A on transcript NM_002354.3 (MANE Select); coding-DNA position 709, G replaced by A.
Protein change: p.Gly237Arg; replaces glycine 237 with arginine.
Molecular consequence: missense variant.
Genome position (GRCh38, 1-based): chr2:47,379,820, G>A. VCF-style: chr2-47379820-G-A. GRCh37 (hg19) VCF-style: chr2-47606959-G-A.
Other names: short protein forms G237R.
Identifiers: ClinVar variation 3275839 (VCV003275839.1).

ClinVar aggregate classification (germline): Uncertain significance (1 of 4 stars; one submission).

Conditions:
Hereditary cancer-predisposing syndrome. Also called: Tumor predisposition; Hereditary Cancer Syndrome; Hereditary neoplastic syndrome; Neoplastic Syndromes, Hereditary. Identifiers: Orphanet 140162, MedGen C0027672, MeSH D009386, MONDO:0015356.

gnomAD v4.1: 4 of 1,613,990 alleles (0.00025%); highest among the groups gnomAD compares: Non-Finnish European, 0.00034%; no homozygotes.

Submission:

Ambry Genetics
Classification: Uncertain significance for Hereditary cancer-predisposing syndrome. Last evaluated: 2024-04-23. Review status: criteria provided, single submitter. Criteria: Ambry Variant Classification Scheme 2023. Collection method: clinical testing. Allele origin: germline.
Comment: The p.G237R variant (also known as c.709G>A), located in coding exon 7 of the EPCAM gene, results from a G to A substitution at nucleotide position 709. The glycine at codon 237 is replaced by arginine, an amino acid with dissimilar properties. This amino acid position is conserved. In addition, the in silico prediction for this alteration is inconclusive. Based on the available evidence, the clinical significance of this variant remains unclear.